The following is an entry in ClinVar:

NM_001083619.3(GRIA2):c.1396G>T (p.Val466Phe)

Gene: GRIA2 (glutamate ionotropic receptor AMPA type subunit 2; plus strand). Cytogenetic location: 4q32.1.
Variant type: single nucleotide variant.
Coding change: c.1396G>T on transcript NM_001083619.3 (MANE Select); coding-DNA position 1396, G replaced by T.
Protein change: p.Val466Phe; replaces valine 466 with phenylalanine.
Molecular consequence: missense variant.
Genome position (GRCh38, 1-based): chr4:157,335,800, G>T. VCF-style: chr4-157335800-G-T. GRCh37 (hg19) VCF-style: chr4-158256952-G-T.
Other names: c.1396G>T, p.Val466Phe (NM_000826.6); c.1255G>T, p.Val419Phe (NM_001083620.3, NM_001379000.3, NM_001379001.3); short protein forms V419F, V466F.
Identifiers: ClinVar variation 1708089 (VCV001708089.2), dbSNP rs2530750600, ClinGen allele CA358647673.

ClinVar aggregate classification (germline): Uncertain significance. Review status: criteria provided, multiple submitters, no conflicts (2 of 4 stars). 2 submissions from 2 submitters: Uncertain significance (2). Last evaluated 2024-10-29.

Conditions:
Neurodevelopmental disorder with language impairment and behavioral abnormalities. Also called: GRIA2-related neurodevelopmental disorder. Identifiers: MedGen C5394502, MONDO:0030060, OMIM 618917.

Submissions (2):

3billion
Classification: Uncertain significance for Neurodevelopmental disorder with language impairment and behavioral abnormalities. Last evaluated: 2024-10-29. Review status: criteria provided, single submitter. Criteria: ACMG Guidelines, 2015. Collection method: clinical testing. Allele origin: germline. Affected: yes.
Comment: The variant is not observed in the gnomAD v4.1.0 dataset. Predicted Consequence/Location: Missense variant. Missense changes are a common disease-causing mechanism. In silico tool predictions suggest damaging effect of the variant on gene or gene product [REVEL: 0.81 (>=0.6, sensitivity 0.68 and specificity 0.92)]. The variant has been reported as of uncertain significance (ClinVar ID: VCV001708089). Therefore, this variant is classified as VUS according to the recommendation of ACMG/AMP guideline.

Laboratory of Medical Genetics, National & Kapodistrian University of Athens
Classification: Uncertain significance for Neurodevelopmental disorder with language impairment and behavioral abnormalities. Last evaluated: 2022-07-27. Review status: criteria provided, single submitter. Criteria: ACMG Guidelines, 2015. Collection method: clinical testing. Allele origin: paternal. Affected: yes.
Comment: PM2, PP2, PP3